The following is an entry in ClinVar:

ClinVar aggregate classification (germline): Benign/Likely benign. Review status: criteria provided, multiple submitters, no conflicts (2 of 4 stars). 6 submissions from 6 submitters: Benign (1); Likely benign (4). 1 of the submissions does not count toward it. Last evaluated 2026-01-28.

Conditions:
Familial medullary thyroid carcinoma (MTC). Also called: Familial Medullary Thyroid Carcinoma (FMTC); Thyroid cancer, familial medullary; MTC, familial. Identifiers: Orphanet 653, Orphanet 99361, MedGen C1833921, MONDO:0007958, OMIM 155240.
Pheochromocytoma. Also called: MAX-Related Hereditary Paraganglioma-Pheochromocytoma Syndrome. Identifiers: Orphanet 29072, MedGen C0031511, MONDO:0008233, OMIM 171300, HP:0002666.
Multiple endocrine neoplasia type 2A. Also called: Multiple Endocrine Neoplasia Type 2A (MEN2A); MULTIPLE ENDOCRINE NEOPLASIA, TYPE IIA; PTC SYNDROME; SIPPLE SYNDROME; MEN 2A; MEN-2A syndrome. Identifiers: Orphanet 247698, Orphanet 653, MedGen C0025268, MeSH D018813, MONDO:0008234, OMIM 171400.
Hirschsprung disease, susceptibility to, 1 (HSCR1). Also called: RET-Related Hirschsprung Disease. Identifiers: Orphanet 388, MedGen C3888239, MONDO:0007723, OMIM 142623.
Multiple endocrine neoplasia type 2B. Also called: WAGENMANN-FROBOESE SYNDROME; MULTIPLE ENDOCRINE NEOPLASIA, TYPE III; MUCOSAL NEUROMA SYNDROME; Multiple Endocrine Neoplasia Type 2B (MEN2B); Multiple endocrine neoplasia, type 3; MULTIPLE ENDOCRINE NEOPLASIA, TYPE IIB. Identifiers: Orphanet 247709, Orphanet 653, MedGen C0025269, MeSH D018814, MONDO:0008082, OMIM 162300.
RET-related disorder. Also called: RET-related disorders; RET-related condition; RET-related disease.
Hereditary cancer-predisposing syndrome. Also called: Hereditary Cancer Syndrome; Hereditary neoplastic syndrome; Tumor predisposition; Neoplastic Syndromes, Hereditary. Identifiers: Orphanet 140162, MedGen C0027672, MeSH D009386, MONDO:0015356.
Multiple endocrine neoplasia, type 2 (MEN2). Identifiers: Orphanet 653, MedGen C4048306, MONDO:0019003. Disease mechanism: gain of function.

Allele frequency attached by ClinVar (database versions not stated): ExAC 0.00002; gnomAD exomes 0.00002; gnomAD 0.00003; TOPMed 0.00008; 1000 Genomes Project 30x 0.00016; 1000 Genomes Project 0.00020.
gnomAD v4.1: 29 of 1,612,780 alleles (0.0018%); highest among the groups gnomAD compares: Admixed American, 0.012%; no homozygotes.

Submissions (6):

Labcorp Genetics (formerly Invitae), Labcorp
Classification: Likely benign for Multiple endocrine neoplasia, type 2. Last evaluated: 2026-01-28. Review status: criteria provided, single submitter. Criteria: Invitae Variant Classification Sherloc (09022015). Collection method: clinical testing. Allele origin: germline.

Myriad Genetics, Inc.
Classification: Benign for Multiple endocrine neoplasia type 2A. Last evaluated: 2025-02-25. Review status: criteria provided, single submitter. Criteria: Myriad Autosomal Dominant, Autosomal Recessive and X-Linked Classification Criteria (2023). Collection method: clinical testing. Allele origin: unknown.
Comment: This variant is considered benign. This variant is a silent/synonymous amino acid change and it is not expected to impact splicing.

All of Us Research Program, National Institutes of Health
Classification: Likely benign for Multiple endocrine neoplasia, type 2. Last evaluated: 2024-06-27. Review status: criteria provided, single submitter. Criteria: ACMG Guidelines, 2015. Collection method: clinical testing. Allele origin: germline. Inheritance: Autosomal dominant inheritance. Observed: 9 variant alleles, 9 heterozygotes.
Comment: This study involves interpretation of variants in research participants for the purpose of population health screening. Participant phenotype was not available at the time of variant classification. Additional details can be found in publication PMID: 35346344, PMCID: PMC8962531

Fulgent Genetics
Classification: Likely benign for Hirschsprung disease, susceptibility to, 1; Familial medullary thyroid carcinoma; Multiple endocrine neoplasia type 2B; Pheochromocytoma; Multiple endocrine neoplasia type 2A. Last evaluated: 2021-10-27. Review status: criteria provided, single submitter. Criteria: ACMG Guidelines, 2015. Collection method: clinical testing. Allele origin: unknown.

Ambry Genetics
Classification: Likely benign for Hereditary cancer-predisposing syndrome. Last evaluated: 2016-10-19. Review status: criteria provided, single submitter. Criteria: Ambry Variant Classification Scheme 2023. Collection method: clinical testing. Allele origin: germline.

PreventionGenetics, part of Exact Sciences
Classification: Likely benign for RET-related condition. Last evaluated: 2019-03-21. Review status: no assertion criteria provided. Collection method: clinical testing. Allele origin: germline. Not counted in ClinVar's aggregate classification.
Comment: This variant is classified as likely benign based on ACMG/AMP sequence variant interpretation guidelines (Richards et al. 2015 PMID: 25741868, with internal and published modifications).

NM_020975.6(RET):c.897C>T (p.Phe299=)

Gene: RET (ret proto-oncogene; plus strand). Cytogenetic location: 10q11.21.
Variant type: single nucleotide variant.
Coding change: c.897C>T on transcript NM_020975.6 (MANE Select); coding-DNA position 897, C replaced by T.
Protein change: p.Phe299=; no amino-acid change (phenylalanine 299 retained).
Molecular consequence: synonymous variant. On other transcripts: intron variant (25).
Genome position (GRCh38, 1-based): chr10:43,106,405, C>T. VCF-style: chr10-43106405-C-T. GRCh37 (hg19) VCF-style: chr10-43601853-C-T.
Other names: c.897C>T, p.Phe299= (NM_000323.2, NM_001406743.1, NM_001406744.1 and 6 more transcripts); c.135C>T, p.Phe45= (NM_001355216.2); c.768C>T, p.Phe256= (NM_001406761.1, NM_001406762.1, NM_001406764.1 and 1 more transcripts); c.609C>T, p.Phe203= (NM_001406766.1, NM_001406767.1, NM_001406770.1); c.867+1212C>T (NM_001406772.1, NM_001406769.1); c.626-2626C>T (NM_001406773.1, NM_001406771.1); c.625+3776C>T (NM_001406782.1, NM_001406780.1, NM_001406779.1 and 3 more transcripts); c.738+1212C>T (NM_001406774.1); and 5 more.
Identifiers: ClinVar variation 477390 (VCV000477390.23), dbSNP rs529153319, ClinGen allele CA045408.